The following is an entry in ClinVar:

NM_014249.4(NR2E3):c.131C>T (p.Ser44Leu)

Gene: NR2E3 (nuclear receptor subfamily 2 group E member 3; plus strand). Cytogenetic location: 15q23.
Variant type: single nucleotide variant.
Coding change: c.131C>T on transcript NM_014249.4 (MANE Select); coding-DNA position 131, C replaced by T.
Protein change: p.Ser44Leu; replaces serine 44 with leucine.
Molecular consequence: missense variant.
Genome position (GRCh38, 1-based): chr15:71,811,495, C>T. VCF-style: chr15-71811495-C-T. GRCh37 (hg19) VCF-style: chr15-72103835-C-T.
Other names: c.131C>T, p.Ser44Leu (NM_016346.4); short protein forms S44L.
Identifiers: ClinVar variation 426441 (VCV000426441.15), dbSNP rs202098481, ClinGen allele CA7640218.
Genomic context (GRCh38, chr15:71,811,495, plus strand): 5'-GCCCCGGCCCAGCCCTGCCCTGGCCCAGCCCTGCCCCCTGCCCCTCAGGCGTGAGCCCCT[C>T]GCTCCAGTGCCGCGTGTGCGGAGACAGCAGCAGCGGGAAGCACTATGGCATCTATGCCTG-3'
Protein context (NP_055064.1, residues 34-54): LGEDPTGVSP[Ser44Leu]LQCRVCGDSS

ClinVar aggregate classification (germline): Uncertain significance. Review status: criteria provided, multiple submitters, no conflicts (2 of 4 stars). 8 submissions from 7 submitters: Uncertain significance (7). 1 of the submissions does not count toward it. Last evaluated 2026-08-01.

Conditions:
NR2E3-related disorder. Also called: NR2E3-related condition; NR2E3-related disorders. Identifiers: MedGen CN239387.
Retinal dystrophy. Also called: Inherited retinal dystrophy. Identifiers: Orphanet 71862, MedGen C0854723, MeSH D058499, MONDO:0019118, HP:0000556.
Retinitis pigmentosa 37 (RP37). Identifiers: Orphanet 791, MedGen C1970163, MONDO:0012625, OMIM 611131.
Enhanced S-cone syndrome (ESCS). Identifiers: Orphanet 53540, MedGen C1849394, MONDO:0100288, MONDO:0009989.
Goldmann-Favre syndrome. Identifiers: Orphanet 53540, MedGen C0339541, MONDO:0100289.

Allele frequency attached by ClinVar (database versions not stated): 1000 Genomes Project 0.00020; gnomAD exomes 0.00028; 1000 Genomes Project 30x 0.00031; gnomAD 0.00031 and 0.00053; ESP Exome Variant Server 0.00032; ExAC 0.00047; TOPMed 0.00051.
gnomAD v4.1: 625 of 1,559,318 alleles (0.04%); highest among the groups gnomAD compares: Non-Finnish European, 0.047%; no homozygotes.

Submissions (8):

PreventionGenetics, part of Exact Sciences
Classification: Uncertain significance for NR2E3-related condition. Last evaluated: 2026-08-01. Review status: criteria provided, single submitter. Criteria: ACMG Guidelines, 2015. Collection method: clinical testing. Allele origin: germline.
Comment: The NR2E3 c.131C>T variant is predicted to result in the amino acid substitution p.Ser44Leu. This variant has been reported in an individual with autosomal recessive retinitis pigmentosa (Bernal et al. 2008. PubMed ID: 18294254). This variant is present in 0.046% of alleles in individuals of European (Non-Finnish) descent in gnomAD. At this time, the clinical significance of this variant is uncertain due to the absence of conclusive functional and genetic evidence.

Labcorp Genetics (formerly Invitae), Labcorp
Classification: Uncertain significance. Last evaluated: 2025-12-23. Review status: criteria provided, single submitter. Criteria: Invitae Variant Classification Sherloc (09022015). Collection method: clinical testing. Allele origin: germline.
Comment: This sequence change replaces serine, which is neutral and polar, with leucine, which is neutral and non-polar, at codon 44 of the NR2E3 protein (p.Ser44Leu). This variant is present in population databases (rs202098481, gnomAD 0.05%). This missense change has been observed in individual(s) with retinitis pigmentosa (PMID: 18294254). ClinVar contains an entry for this variant (Variation ID: 426441). Invitae Evidence Modeling of protein sequence and biophysical properties (such as structural, functional, and spatial information, amino acid conservation, physicochemical variation, residue mobility, and thermodynamic stability) indicates that this missense variant is not expected to disrupt NR2E3 protein function with a negative predictive value of 80%. In summary, the available evidence is currently insufficient to determine the role of this variant in disease. Therefore, it has been classified as a Variant of Uncertain Significance.

Blueprint Genetics
Classification: Uncertain significance. Last evaluated: 2024-07-05. Review status: criteria provided, single submitter. Criteria: ACMG Guidelines, 2015. Collection method: clinical testing. Allele origin: germline.

Dept Of Ophthalmology, Nagoya University
Classification: Uncertain significance for Retinal dystrophy. Last evaluated: 2023-10-01. Review status: criteria provided, single submitter. Criteria: Submitter's publication. Collection method: research. Allele origin: germline. Affected: yes.

Illumina Laboratory Services, Illumina
Classification: Uncertain significance for Retinitis pigmentosa 37. Last evaluated: 2017-04-28. Review status: criteria provided, single submitter. Criteria: ICSL Variant Classification Criteria 13 December 2019. Collection method: clinical testing. Allele origin: germline.

Illumina Laboratory Services, Illumina
Classification: Uncertain significance for ENHANCED S-CONE SYNDROME 1. Last evaluated: 2017-04-28. Review status: criteria provided, single submitter. Criteria: ICSL Variant Classification Criteria 13 December 2019. Collection method: clinical testing. Allele origin: germline.

GeneDx
Classification: Uncertain significance. Last evaluated: 2017-04-17. Review status: criteria provided, single submitter. Criteria: GeneDx Variant Classification (06012015). Collection method: clinical testing. Allele origin: germline. Affected: yes.
Comment: The S44L variant in the NR2E3 gene has been reported previously in an individual with autosomal recessive retinitis pigmentosa, however, this variant did not segregate with the disease in the family (Bernal et al., 2008). The S44L variant is observed in 1/532 (0.1%) alleles from individuals of Latino background in large population cohorts (Lek et al., 2016; 1000 Genomes Consortium et al., 2015; Exome Variant Server). The S44L variant is a non-conservative amino acid substitution, which is likely to impact secondary protein structure as these residues differ in polarity, charge, size and/or other properties. However, this substitution occurs at a position that is not conserved, and in silico analysis is inconsistent in its predictions as to whether or not the variant is damaging to the protein structure/function. We interpret S44L as a variant of uncertain significance.

Natera, Inc.
Classification: Uncertain significance for Goldmann-Favre syndrome. Last evaluated: 2020-09-16. Review status: no assertion criteria provided. Collection method: clinical testing. Allele origin: germline. Not counted in ClinVar's aggregate classification.

Literature cited by the submitters: PubMed 18294254 (cited by Labcorp Genetics (formerly Invitae), Labcorp).